The following is an entry in ClinVar:

NM_007294.4(BRCA1):c.5153-5T>G

Gene: BRCA1 (BRCA1 DNA repair associated; minus strand). Cytogenetic location: 17q21.31.
Variant type: single nucleotide variant.
Coding change: c.5153-5T>G on transcript NM_007294.4 (MANE Select); 5 bases into the intron before coding-DNA position 5153, T replaced by G.
Molecular consequence: intron variant.
Genome position (GRCh38, 1-based): chr17:43,063,378, A>C on the plus strand (T>G on the coding strand, the complement: BRCA1 is on the minus strand). VCF-style: chr17-43063378-A-C. GRCh37 (hg19) VCF-style: chr17-41215395-A-C.
Other names: c.4940-5T>G (NM_001407571.1, NM_001407907.1, NM_001407902.1 and 12 more transcripts); c.4817-5T>G (NM_001407950.1, NM_001407953.1, NM_001407955.1 and 3 more transcripts); c.4820-5T>G (NM_001407948.1, NM_001407947.1, NM_001407949.1 and 1 more transcripts); c.1631-5T>G (NM_001408484.1, NM_001408485.1, NM_001408483.1 and 5 more transcripts); c.1634-5T>G (NM_001408478.1, NM_001408480.1, NM_001408479.1); c.4943-5T>G (NM_001407879.1, NM_001407882.1, NM_001407885.1 and 5 more transcripts); c.1715-5T>G (NM_001408450.1, NM_001408447.1, NM_001408446.1 and 2 more transcripts); c.1718-5T>G (NM_001408434.1, NM_001408440.1, NM_001408433.1 and 10 more transcripts); and 72 more.
Identifiers: ClinVar variation 867742 (VCV000867742.3), dbSNP rs1218652386, ClinGen allele CA916080049.
Genomic context (GRCh38, chr17:43,063,378, plus strand): 5'-ACATCAAGTACTTACCTCATTCAGCATTTTTCTTTCTTTAATAGACTGGGTCACCCCTAA[A>C]GAGATCATAGAAAAGACAGGTTACATACAGCAGAAGAACGTGCTCTTTTCACGGAGATAG-3'

Conditions:
Breast-ovarian cancer, familial, susceptibility to, 1 (BROVCA1). Also called: BRCA1 Hereditary Breast and Ovarian Cancer; OVARIAN CANCER, SUSCEPTIBILITY TO. Identifiers: Orphanet 145, MedGen C2676676, MONDO:0011450, OMIM 604370. Disease mechanism: loss of function.

Submission:

Brotman Baty Institute, University of Washington
No classification provided (evidence only). Condition: Breast-ovarian cancer, familial 1. Review status: no classification provided. Collection method: in vitro. Allele origin: not applicable. Functional consequence: functionally_normal.
ClinVar note: "not provided" was previously submitted as the classification for the variant. However, the classification appeared to be based only on an observation of functional data so it was converted to no classification on 2025-07-30.